The following is an entry in ClinVar:

NM_000391.4(TPP1):c.1436C>T (p.Pro479Leu)

Gene: TPP1 (tripeptidyl peptidase 1; minus strand). Cytogenetic location: 11p15.4.
Variant type: single nucleotide variant.
Coding change: c.1436C>T on transcript NM_000391.4 (MANE Select); coding-DNA position 1436, C replaced by T.
Protein change: p.Pro479Leu; replaces proline 479 with leucine.
Molecular consequence: missense variant.
Genome position (GRCh38, 1-based): chr11:6,614,981, G>A on the plus strand (C>T on the coding strand, the complement: TPP1 is on the minus strand). VCF-style: chr11-6614981-G-A. GRCh37 (hg19) VCF-style: chr11-6636212-G-A.
Other names: short protein forms P479L.
Identifiers: ClinVar variation 1948679 (VCV001948679.2), dbSNP rs2493796006, ClinGen allele CA379472474.

ClinVar aggregate classification (germline): Uncertain significance (1 of 4 stars; one submission).

Allele frequency attached by ClinVar (database versions not stated): gnomAD exomes below 0.00001.

Submission:

Labcorp Genetics (formerly Invitae), Labcorp
Classification: Uncertain significance. Last evaluated: 2022-10-27. Review status: criteria provided, single submitter. Criteria: Invitae Variant Classification Sherloc (09022015). Collection method: clinical testing. Allele origin: germline.
Comment: This sequence change replaces proline, which is neutral and non-polar, with leucine, which is neutral and non-polar, at codon 479 of the TPP1 protein (p.Pro479Leu). This variant is not present in population databases (gnomAD no frequency). This variant has not been reported in the literature in individuals affected with TPP1-related conditions. Advanced modeling of protein sequence and biophysical properties (such as structural, functional, and spatial information, amino acid conservation, physicochemical variation, residue mobility, and thermodynamic stability) performed at Invitae indicates that this missense variant is expected to disrupt TPP1 protein function. In summary, the available evidence is currently insufficient to determine the role of this variant in disease. Therefore, it has been classified as a Variant of Uncertain Significance.